The following is an entry in ClinVar:

ClinVar aggregate classification (germline): Benign/Likely benign. Review status: criteria provided, multiple submitters, no conflicts (2 of 4 stars). 3 submissions from 3 submitters: Benign (1); Likely benign (2). Last evaluated 2025-08-12.

Conditions:
Melanoma-pancreatic cancer syndrome. Identifiers: Orphanet 404560, MedGen C1838547, MONDO:0011713, OMIM 606719. Disease mechanism: loss of function.
Familial melanoma. Also called: Hereditary melanoma; Hereditary cutaneous melanoma. Identifiers: Orphanet 618, MedGen C1512419, MONDO:0018961.
Hereditary cancer-predisposing syndrome. Also called: Neoplastic Syndromes, Hereditary; Tumor predisposition; Hereditary Cancer Syndrome; Hereditary neoplastic syndrome. Identifiers: Orphanet 140162, MedGen C0027672, MeSH D009386, MONDO:0015356.

Submissions (3):

Myriad Genetics, Inc.
Classification: Benign for Melanoma-pancreatic cancer syndrome. Last evaluated: 2025-08-12. Review status: criteria provided, single submitter. Criteria: Myriad Autosomal Dominant, Autosomal Recessive and X-Linked Classification Criteria (2023). Collection method: clinical testing. Allele origin: unknown.
Comment: This variant is considered benign. This variant is a silent/synonymous amino acid change and it is not expected to impact splicing.

Labcorp Genetics (formerly Invitae), Labcorp
Classification: Likely benign for Familial melanoma. Last evaluated: 2021-12-01. Review status: criteria provided, single submitter. Criteria: Invitae Variant Classification Sherloc (09022015). Collection method: clinical testing. Allele origin: germline.

Ambry Genetics
Classification: Likely benign for Hereditary cancer-predisposing syndrome. Last evaluated: 2020-10-23. Review status: criteria provided, single submitter. Criteria: Ambry Variant Classification Scheme 2023. Collection method: clinical testing. Allele origin: germline.

NM_058195.4(CDKN2A):c.51G>T (p.Pro17=)

Gene: CDKN2A (cyclin dependent kinase inhibitor 2A; minus strand). Cytogenetic location: 9p21.3.
Variant type: single nucleotide variant.
Coding change: c.51G>T on transcript NM_058195.4 (MANE Plus Clinical); coding-DNA position 51, G replaced by T.
Protein change: p.Pro17=; no amino-acid change (proline 17 retained).
Molecular consequence: synonymous variant. On other transcripts: intron variant (1).
Genome position (GRCh38, 1-based): chr9:21,994,281, C>A on the plus strand (G>T on the coding strand, the complement: CDKN2A is on the minus strand). VCF-style: chr9-21994281-C-A. GRCh37 (hg19) VCF-style: chr9-21994280-C-A.
Other names: c.-4+540G>T (NM_001363763.2).
Identifiers: ClinVar variation 1118415 (VCV001118415.8), dbSNP rs2131148827, ClinGen allele CA464100357.